The following is an entry in ClinVar:

NM_000548.5(TSC2):c.3084C>A (p.Asp1028Glu)

Gene: TSC2 (TSC complex subunit 2; plus strand). Cytogenetic location: 16p13.3.
Variant type: single nucleotide variant.
Coding change: c.3084C>A on transcript NM_000548.5 (MANE Select); coding-DNA position 3084, C replaced by A.
Protein change: p.Asp1028Glu; replaces aspartic acid 1028 with glutamic acid.
Molecular consequence: missense variant.
Genome position (GRCh38, 1-based): chr16:2,079,149, C>A. VCF-style: chr16-2079149-C-A. GRCh37 (hg19) VCF-style: chr16-2129150-C-A.
Other names: c.2952C>A, p.Asp984Glu (NM_001077183.3, NM_001370404.1, NM_001406665.1); c.3084C>A, p.Asp1028Glu (NM_001114382.3); c.2844C>A, p.Asp948Glu (NM_001318827.2); c.2808C>A, p.Asp936Glu (NM_001318829.2); c.2352C>A, p.Asp784Glu (NM_001318831.2, NM_001406687.1, NM_001406688.1); c.2985C>A, p.Asp995Glu (NM_001318832.2); c.2955C>A, p.Asp985Glu (NM_001363528.2, NM_001370405.1, NM_021055.3); c.3081C>A, p.Asp1027Glu (NM_001406663.1, NM_001406664.1); and 18 more; short protein forms D984E, D1028E, D978E, D979E, D1014E, D450E, D536E, D537E.
Identifiers: ClinVar variation 1727389 (VCV001727389.3), dbSNP rs1555510350, ClinGen allele CA394284629.

ClinVar aggregate classification (germline): Uncertain significance (1 of 4 stars; one submission).

Conditions:
Hereditary cancer-predisposing syndrome. Also called: Tumor predisposition; Hereditary neoplastic syndrome; Neoplastic Syndromes, Hereditary; Hereditary Cancer Syndrome. Identifiers: Orphanet 140162, MedGen C0027672, MeSH D009386, MONDO:0015356.

Allele frequency attached by ClinVar (database versions not stated): gnomAD exomes below 0.00001.
gnomAD v4.1: 1 of 1,613,046 alleles (0.000062%); highest among the groups gnomAD compares: Non-Finnish European, 0.000085%; no homozygotes.

Submission:

Ambry Genetics
Classification: Uncertain significance for Hereditary cancer-predisposing syndrome. Last evaluated: 2026-07-02. Review status: criteria provided, single submitter. Criteria: Ambry Variant Classification Scheme 2023. Collection method: clinical testing. Allele origin: germline.
Comment: The p.D1028E variant (also known as c.3084C>A), located in coding exon 26 of the TSC2 gene, results from a C to A substitution at nucleotide position 3084. The aspartic acid at codon 1028 is replaced by glutamic acid, an amino acid with highly similar properties. This amino acid position is highly conserved in available vertebrate species. In addition, this alteration is predicted to be deleterious by in silico analysis. Based on the available evidence, the clinical significance of this variant remains unclear.